The following is an entry in ClinVar:

NM_004252.5(NHERF1):c.610G>A (p.Gly204Arg)

Gene: NHERF1 (NHERF family PDZ scaffold protein 1; plus strand). Cytogenetic location: 17q25.1.
Variant type: single nucleotide variant.
Coding change: c.610G>A on transcript NM_004252.5 (MANE Select); coding-DNA position 610, G replaced by A.
Protein change: p.Gly204Arg; replaces glycine 204 with arginine.
Molecular consequence: missense variant.
Genome position (GRCh38, 1-based): chr17:74,763,373, G>A. VCF-style: chr17-74763373-G-A. GRCh37 (hg19) VCF-style: chr17-72759512-G-A.
Other names: short protein forms G204R.
Identifiers: ClinVar variation 4749061 (VCV004749061.1).

ClinVar aggregate classification (germline): Uncertain significance (1 of 4 stars; one submission).

gnomAD v4.1: 105 of 1,613,374 alleles (0.0065%); highest among the groups gnomAD compares: South Asian, 0.11%; no homozygotes.

Submission:

Labcorp Genetics (formerly Invitae), Labcorp
Classification: Uncertain significance. Last evaluated: 2025-09-28. Review status: criteria provided, single submitter. Criteria: Invitae Variant Classification Sherloc (09022015). Collection method: clinical testing. Allele origin: germline.
Comment: This sequence change replaces glycine, which is neutral and non-polar, with arginine, which is basic and polar, at codon 204 of the SLC9A3R1 protein (p.Gly204Arg). This variant is present in population databases (rs778705591, gnomAD 0.1%), and has an allele count higher than expected for a pathogenic variant. This variant has not been reported in the literature in individuals affected with SLC9A3R1-related conditions. An algorithm developed to predict the effect of missense changes on protein structure and function (PolyPhen-2) suggests that this variant is likely to be disruptive. In summary, the available evidence is currently insufficient to determine the role of this variant in disease. Therefore, it has been classified as a Variant of Uncertain Significance.